The following is an entry in ClinVar:

ClinVar aggregate classification (germline): Likely pathogenic (1 of 4 stars; one submission).

Conditions:
Diabetes mellitus, permanent neonatal 3. Also called: ABCC8-Related Permanent Neonatal Diabetes Mellitus. Identifiers: MedGen C5394303, MONDO:0030088, OMIM 618857.

Submission:

MVZ Medizinische Genetik Mainz
Classification: Likely pathogenic for Diabetes mellitus, permanent neonatal 3. Last evaluated: 2024-03-05. Review status: criteria provided, single submitter. Criteria: UK Practice Guidelines For Variant Classification V4 01 2020. Collection method: clinical testing. Allele origin: germline. Inheritance: Autosomal recessive inheritance. Affected: yes. Observed: 1 variant allele.
Comment: ACMG Criteria: PM3,PM4,PM2_SUP,PP4; Compound Heterozygote

NM_000352.6(ABCC8):c.2093_2095del (p.Asn698del)

Gene: ABCC8 (ATP binding cassette subfamily C member 8; minus strand). Cytogenetic location: 11p15.1.
Variant type: Deletion.
Coding change: c.2093_2095del on transcript NM_000352.6 (MANE Select); coding-DNA positions 2093 to 2095, 3 bases deleted (ACA; older notation c.2093_2095delACA).
Protein change: p.Asn698del; deletes asparagine 698.
Molecular consequence: inframe deletion. On other transcripts: non-coding transcript variant (1).
Genome position (GRCh38, 1-based): chr11:17,427,888-17,427,890, TGT deleted on the plus strand (ACA on the coding strand, the reverse complement: ABCC8 is on the minus strand); deleting any 3 consecutive bases within chr11:17,427,888-17,427,892 gives the same sequence; the c. name uses the placement nearest the transcript's 3' end. VCF-style (leftmost placement, unchanged base first): chr11-17427887-ATGT-A. GRCh37 (hg19) VCF-style: chr11-17449434-ATGT-A.
Other names: c.2093_2095del, p.Asn698del (NM_001287174.3); c.2159_2161del, p.Asn720del (NM_001351295.2); c.2090_2092del, p.Asn697del (NM_001351296.2, NM_001351297.2); short protein forms N697del, N698del, N720del.
Identifiers: ClinVar variation 3236352 (VCV003236352.1), dbSNP rs2496663221, ClinGen allele CA2825001874.